The following is an entry in ClinVar:

NM_006904.7(PRKDC):c.3203T>A (p.Leu1068His)

Gene: PRKDC (protein kinase, DNA-activated, catalytic subunit; minus strand). Cytogenetic location: 8q11.21.
Variant type: single nucleotide variant.
Coding change: c.3203T>A on transcript NM_006904.7 (MANE Select); coding-DNA position 3203, T replaced by A.
Protein change: p.Leu1068His; replaces leucine 1068 with histidine.
Molecular consequence: missense variant.
Genome position (GRCh38, 1-based): chr8:47,902,635, A>T on the plus strand (T>A on the coding strand, the complement: PRKDC is on the minus strand). VCF-style: chr8-47902635-A-T. GRCh37 (hg19) VCF-style: chr8-48815195-A-T.
Other names: c.3203T>A, p.Leu1068His (NM_001081640.2); short protein forms L1068H.
Identifiers: ClinVar variation 1728845 (VCV001728845.2), dbSNP rs2551875557, ClinGen allele CA371156697.

ClinVar aggregate classification (germline): Uncertain significance (1 of 4 stars; one submission).

Submission:

Ambry Genetics
Classification: Uncertain significance. Last evaluated: 2022-05-15. Review status: criteria provided, single submitter. Criteria: Ambry Variant Classification Scheme 2023. Collection method: clinical testing. Allele origin: germline.
Comment: The p.L1068H variant (also known as c.3203T>A), located in coding exon 27 of the PRKDC gene, results from a T to A substitution at nucleotide position 3203. The leucine at codon 1068 is replaced by histidine, an amino acid with similar properties. This amino acid position is conserved. In addition, the in silico prediction for this alteration is inconclusive. Since supporting evidence is limited at this time, the clinical significance of this alteration remains unclear.